The following is an entry in ClinVar:

NM_000256.3(MYBPC3):c.147C>G (p.Ile49Met)

Gene: MYBPC3 (myosin binding protein C3; minus strand). Cytogenetic location: 11p11.2.
Variant type: single nucleotide variant.
Coding change: c.147C>G on transcript NM_000256.3 (MANE Select); coding-DNA position 147, C replaced by G.
Protein change: p.Ile49Met; replaces isoleucine 49 with methionine.
Molecular consequence: missense variant.
Genome position (GRCh38, 1-based): chr11:47,351,384, G>C on the plus strand (C>G on the coding strand, the complement: MYBPC3 is on the minus strand). VCF-style: chr11-47351384-G-C. GRCh37 (hg19) VCF-style: chr11-47372935-G-C.
Other names: short protein forms I49M.
Identifiers: ClinVar variation 926956 (VCV000926956.6), dbSNP rs774273586, ClinGen allele CA221708845.
Genomic context (GRCh38, chr11:47,351,384, plus strand): 5'-CCGCACTGTCAGCGTATGCCGTGTGCCCTCTGTGGCCAGGCCGTACTTGTTGCTGGCGCT[G>C]ATGTCACTGCCTCCGCGCTGCCAGCGCACCTTCACTCCTGCCCGCTCTGTCTCGGCCTCG-3'
Protein context (NP_000247.2, residues 39-59): KVRWQRGGSD[Ile49Met]SASNKYGLAT

ClinVar aggregate classification (germline): Uncertain significance. Review status: criteria provided, multiple submitters, no conflicts (2 of 4 stars). 2 submissions from 2 submitters: Uncertain significance (2). Last evaluated 2025-11-01.

Conditions:
Cardiomyopathy (CMYO). Also called: Cardiomyopathies. Identifiers: Orphanet 167848, MedGen C0878544, MONDO:0004994, HP:0001638. Inheritance: Various modes of inheritance.
Hypertrophic cardiomyopathy. Also called: HYPERTROPHIC MYOCARDIOPATHY. Identifiers: Orphanet 217569, MedGen C0007194, MeSH D002312, MONDO:0005045, HP:0001639.

Allele frequency attached by ClinVar (database versions not stated): TOPMed 0.00002.

Submissions (2):

Labcorp Genetics (formerly Invitae), Labcorp
Classification: Uncertain significance for Hypertrophic cardiomyopathy. Last evaluated: 2025-11-01. Review status: criteria provided, single submitter. Criteria: Invitae Variant Classification Sherloc (09022015). Collection method: clinical testing. Allele origin: germline.
Comment: This sequence change replaces isoleucine, which is neutral and non-polar, with methionine, which is neutral and non-polar, at codon 49 of the MYBPC3 protein (p.Ile49Met). This variant is not present in population databases (gnomAD no frequency). This variant has not been reported in the literature in individuals affected with MYBPC3-related conditions. ClinVar contains an entry for this variant (Variation ID: 926956). An algorithm developed to predict the effect of missense changes on protein structure and function (PolyPhen-2) suggests that this variant is likely to be tolerated. In summary, the available evidence is currently insufficient to determine the role of this variant in disease. Therefore, it has been classified as a Variant of Uncertain Significance.

Color Diagnostics, LLC DBA Color Health
Classification: Uncertain significance for Cardiomyopathy. Last evaluated: 2024-03-06. Review status: criteria provided, single submitter. Criteria: ACMG Guidelines, 2015. Collection method: clinical testing. Allele origin: germline.
Comment: This missense variant replaces isoleucine with methionine at codon 49 of the MYBPC3 protein. Computational prediction suggests that this variant may not impact protein structure and function (internally defined REVEL score threshold <= 0.5, PMID: 27666373). Splice site prediction tools suggest that this variant may not impact RNA splicing. To our knowledge, functional studies have not been performed for this variant. This variant has not been reported in individuals affected with cardiovascular disorders in the literature. This variant has not been identified in the general population by the Genome Aggregation Database (gnomAD). The available evidence is insufficient to determine the role of this variant in disease conclusively. Therefore, this variant is classified as a Variant of Uncertain Significance.